The following is an entry in ClinVar:

ClinVar aggregate classification (germline): Benign/Likely benign. Review status: criteria provided, multiple submitters, no conflicts (2 of 4 stars). 5 submissions from 5 submitters: Benign (1); Likely benign (4). Last evaluated 2025-10-01.

Conditions:
Hereditary nonpolyposis colorectal neoplasms. Identifiers: MedGen C0009405, MeSH D003123.
Lynch syndrome 4 (LYNCH4). Also called: Colorectal cancer, hereditary nonpolyposis, type 4; Hereditary non-polyposis colorectal cancer, type 4. Identifiers: Orphanet 144, MedGen C1838333, MONDO:0013699, OMIM 614337. Disease mechanism: loss of function.
Hereditary cancer-predisposing syndrome. Also called: Neoplastic Syndromes, Hereditary; Tumor predisposition; Hereditary neoplastic syndrome; Hereditary Cancer Syndrome. Identifiers: Orphanet 140162, MedGen C0027672, MeSH D009386, MONDO:0015356.
Lynch syndrome. Identifiers: Orphanet 144, MedGen C4552100, MONDO:0005835. Disease mechanism: loss of function.

Allele frequency attached by ClinVar (database versions not stated): gnomAD exomes below 0.00001; TOPMed below 0.00001; ExAC 0.00001.

Submissions (5):

Labcorp Genetics (formerly Invitae), Labcorp
Classification: Likely benign for Hereditary nonpolyposis colorectal neoplasms. Last evaluated: 2025-10-01. Review status: criteria provided, single submitter. Criteria: Invitae Variant Classification Sherloc (09022015). Collection method: clinical testing. Allele origin: germline.

Women's Health and Genetics/Laboratory Corporation of America, LabCorp
Classification: Likely benign. Last evaluated: 2025-03-24. Review status: criteria provided, single submitter. Criteria: LabCorp Variant Classification Summary - May 2015. Collection method: clinical testing. Allele origin: germline.

Myriad Genetics, Inc.
Classification: Benign for Lynch syndrome 4. Last evaluated: 2025-01-27. Review status: criteria provided, single submitter. Criteria: Myriad Autosomal Dominant, Autosomal Recessive and X-Linked Classification Criteria (2023). Collection method: clinical testing. Allele origin: unknown.
Comment: This variant is considered benign. This variant is a silent/synonymous amino acid change and it is not expected to impact splicing.

All of Us Research Program, National Institutes of Health
Classification: Likely benign for Lynch syndrome. Last evaluated: 2024-02-05. Review status: criteria provided, single submitter. Criteria: ACMG Guidelines, 2015. Collection method: clinical testing. Allele origin: germline. Inheritance: Autosomal dominant inheritance. Observed: 1 variant allele, 1 heterozygote.
Comment: This study involves interpretation of variants in research participants for the purpose of population health screening. Participant phenotype was not available at the time of variant classification. Additional details can be found in publication PMID: 35346344, PMCID: PMC8962531

Ambry Genetics
Classification: Likely benign for Hereditary cancer-predisposing syndrome. Last evaluated: 2018-02-14. Review status: criteria provided, single submitter. Criteria: Ambry Variant Classification Scheme 2023. Collection method: clinical testing. Allele origin: germline.

NM_000535.7(PMS2):c.627A>G (p.Gly209=)

Gene: PMS2 (PMS1 homolog 2, mismatch repair system component; minus strand). Cytogenetic location: 7p22.1.
Variant type: single nucleotide variant.
Coding change: c.627A>G on transcript NM_000535.7 (MANE Select); coding-DNA position 627, A replaced by G.
Protein change: p.Gly209=; no amino-acid change (glycine 209 retained).
Molecular consequence: synonymous variant. On other transcripts: 5 prime UTR variant (2), non-coding transcript variant (1), intron variant (1).
Genome position (GRCh38, 1-based): chr7:5,999,186, T>C on the plus strand (A>G on the coding strand, the complement: PMS2 is on the minus strand). VCF-style: chr7-5999186-T-C. GRCh37 (hg19) VCF-style: chr7-6038817-T-C.
Other names: c.222A>G, p.Gly74= (NM_001322003.2, NM_001322004.2, NM_001322005.2 and 2 more transcripts); c.627A>G, p.Gly209= (NM_001322006.2, NM_001322014.2); c.309A>G, p.Gly103= (NM_001322007.2, NM_001322008.2); c.-307A>G (NM_001322011.2, NM_001322012.2); c.318A>G, p.Gly106= (NM_001322015.2); c.133-1763A>G (NM_001322013.2).
Identifiers: ClinVar variation 826290 (VCV000826290.16), dbSNP rs754540642, ClinGen allele CA050645.
Genomic context (GRCh38, chr7:5,999,186, plus strand): 5'-AGAGCCGATATTTTCCTTTATGCTGGGGCTTCCACCTGTGCATACCACAGGCTGTCGTTT[T>C]CCTTGTCCAAGCTGATTGGTGCAACTTACACGGATGCCTGCTGAAATGATACAGTATGCA-3'
Protein context (NP_000526.2, residues 199-219): RVSCTNQLGQ[Gly209=]KRQPVVCTGG